The following is an entry in ClinVar:

NM_001081.4(CUBN):c.1685A>G (p.Asn562Ser)

Gene: CUBN (cubilin; minus strand). Cytogenetic location: 10p13.
Variant type: single nucleotide variant.
Coding change: c.1685A>G on transcript NM_001081.4 (MANE Select); coding-DNA position 1685, A replaced by G.
Protein change: p.Asn562Ser; replaces asparagine 562 with serine.
Molecular consequence: missense variant.
Genome position (GRCh38, 1-based): chr10:17,100,085, T>C on the plus strand (A>G on the coding strand, the complement: CUBN is on the minus strand). VCF-style: chr10-17100085-T-C. GRCh37 (hg19) VCF-style: chr10-17142084-T-C.
Other names: short protein forms N562S.
Identifiers: ClinVar variation 2346530 (VCV002346530.7), dbSNP rs141475297, ClinGen allele CA5425218.

ClinVar aggregate classification (germline): Uncertain significance. Review status: criteria provided, multiple submitters, no conflicts (2 of 4 stars). 4 submissions from 4 submitters: Uncertain significance (4). Last evaluated 2025-10-23.

Conditions:
Imerslund-Grasbeck syndrome type 1 (IGS1). Also called: Imerslund-Gräsbeck syndrome 1; Megaloblastic anemia 1, Finnish type; MEGALOBLASTIC ANEMIA, 1. Identifiers: MedGen C4016819, MONDO:0100156, OMIM 261100.
Proteinuria, chronic benign. Identifiers: MedGen C5394384, MONDO:0030042, OMIM 618884.
Inborn genetic diseases. Identifiers: MedGen C0950123, MeSH D030342.
Imerslund-Grasbeck syndrome. Also called: ENTEROCYTE COBALAMIN MALABSORPTION; ENTEROCYTE INTRINSIC FACTOR RECEPTOR, DEFECT OF; PERNICIOUS ANEMIA, JUVENILE, DUE TO SELECTIVE INTESTINAL MALABSORPTION OF VITAMIN B12, WITH PROTEINURIA; Megaloblastic anemia due to inborn errors of metabolism; Imerslund-Gräsbeck syndrome. Identifiers: Orphanet 35858, MedGen C4551825, MONDO:0009853.

Allele frequency attached by ClinVar (database versions not stated): TOPMed 0.00006; ESP Exome Variant Server 0.00008; gnomAD 0.00009; 1000 Genomes Project 30x 0.00016; 1000 Genomes Project 0.00020.
gnomAD v4.1: 34 of 1,613,982 alleles (0.0021%); highest among the groups gnomAD compares: Admixed American, 0.015%; no homozygotes.

Submissions (4):

Ambry Genetics
Classification: Uncertain significance for Inborn genetic diseases. Last evaluated: 2025-10-23. Review status: criteria provided, single submitter. Criteria: Ambry Variant Classification Scheme 2023. Collection method: clinical testing. Allele origin: germline.

Labcorp Genetics (formerly Invitae), Labcorp
Classification: Uncertain significance for Imerslund-Grasbeck syndrome. Last evaluated: 2025-06-12. Review status: criteria provided, single submitter. Criteria: Invitae Variant Classification Sherloc (09022015). Collection method: clinical testing. Allele origin: germline.
Comment: This sequence change replaces asparagine, which is neutral and polar, with serine, which is neutral and polar, at codon 562 of the CUBN protein (p.Asn562Ser). This variant is present in population databases (rs141475297, gnomAD 0.02%). This variant has not been reported in the literature in individuals affected with CUBN-related conditions. ClinVar contains an entry for this variant (Variation ID: 2346530). Invitae Evidence Modeling of protein sequence and biophysical properties (such as structural, functional, and spatial information, amino acid conservation, physicochemical variation, residue mobility, and thermodynamic stability) indicates that this missense variant is not expected to disrupt CUBN protein function with a negative predictive value of 80%. In summary, the available evidence is currently insufficient to determine the role of this variant in disease. Therefore, it has been classified as a Variant of Uncertain Significance.

Blueprint Genetics
Classification: Uncertain significance. Last evaluated: 2024-10-16. Review status: criteria provided, single submitter. Criteria: ACMG Guidelines, 2015. Collection method: clinical testing. Allele origin: germline.

Fulgent Genetics
Classification: Uncertain significance for Imerslund-Grasbeck syndrome type 1; Proteinuria, chronic benign. Last evaluated: 2024-04-05. Review status: criteria provided, single submitter. Criteria: ACMG Guidelines, 2015. Collection method: clinical testing. Allele origin: germline.